The following is an entry in ClinVar:

NM_003848.4(SUCLG2):c.1162C>G (p.Pro388Ala)

Gene: SUCLG2 (succinate-CoA ligase GDP-forming subunit beta; minus strand). Cytogenetic location: 3p14.1.
Variant type: single nucleotide variant.
Coding change: c.1162C>G on transcript NM_003848.4 (MANE Select); coding-DNA position 1162, C replaced by G.
Protein change: p.Pro388Ala; replaces proline 388 with alanine.
Molecular consequence: missense variant.
Genome position (GRCh38, 1-based): chr3:67,400,752, G>C on the plus strand (C>G on the coding strand, the complement: SUCLG2 is on the minus strand). VCF-style: chr3-67400752-G-C. GRCh37 (hg19) VCF-style: chr3-67451176-G-C.
Other names: c.1162C>G, p.Pro388Ala (NM_001177599.2); short protein forms P388A.
Identifiers: ClinVar variation 2363351 (VCV002363351.3), dbSNP rs771272322, ClinGen allele CA2485767.

ClinVar aggregate classification (germline): Uncertain significance. Review status: criteria provided, multiple submitters, no conflicts (2 of 4 stars). 2 submissions from 2 submitters: Uncertain significance (2). Last evaluated 2025-09-04.

Allele frequency attached by ClinVar (database versions not stated): gnomAD 0.00002; TOPMed 0.00010; ExAC 0.00014.
gnomAD v4.1: 54 of 1,611,716 alleles (0.0034%); highest among the groups gnomAD compares: Admixed American, 0.084%; 1 homozygote.

Submissions (2):

Labcorp Genetics (formerly Invitae), Labcorp
Classification: Uncertain significance. Last evaluated: 2025-09-04. Review status: criteria provided, single submitter. Criteria: Invitae Variant Classification Sherloc (09022015). Collection method: clinical testing. Allele origin: germline.
Comment: This sequence change replaces proline, which is neutral and non-polar, with alanine, which is neutral and non-polar, at codon 388 of the SUCLG2 protein (p.Pro388Ala). This variant is present in population databases (rs771272322, gnomAD 0.1%), and has an allele count higher than expected for a pathogenic variant. This variant has not been reported in the literature in individuals affected with SUCLG2-related conditions. ClinVar contains an entry for this variant (Variation ID: 2363351). An algorithm developed to predict the effect of missense changes on protein structure and function (PolyPhen-2) suggests that this variant is likely to be disruptive. In summary, the available evidence is currently insufficient to determine the role of this variant in disease. Therefore, it has been classified as a Variant of Uncertain Significance.

Ambry Genetics
Classification: Uncertain significance. Last evaluated: 2022-05-06. Review status: criteria provided, single submitter. Criteria: Ambry Variant Classification Scheme 2023. Collection method: clinical testing. Allele origin: germline.